The following is an entry in ClinVar:

ClinVar aggregate classification (germline): Uncertain significance (1 of 4 stars; one submission).

Conditions:
Rhabdoid tumor predisposition syndrome 2 (RTPS2). Identifiers: Orphanet 231108, Orphanet 69077, MedGen C2750074, MONDO:0013224, OMIM 613325.

Submission:

Labcorp Genetics (formerly Invitae), Labcorp
Classification: Uncertain significance for Rhabdoid tumor predisposition syndrome 2. Last evaluated: 2025-04-09. Review status: criteria provided, single submitter. Criteria: Invitae Variant Classification Sherloc (09022015). Collection method: clinical testing. Allele origin: germline.
Comment: This sequence change replaces glutamic acid, which is acidic and polar, with glycine, which is neutral and non-polar, at codon 685 of the SMARCA4 protein (p.Glu685Gly). This variant is not present in population databases (gnomAD no frequency). This variant has not been reported in the literature in individuals affected with SMARCA4-related conditions. Invitae Evidence Modeling of protein sequence and biophysical properties (such as structural, functional, and spatial information, amino acid conservation, physicochemical variation, residue mobility, and thermodynamic stability) indicates that this missense variant is not expected to disrupt SMARCA4 protein function with a negative predictive value of 95%. In summary, the available evidence is currently insufficient to determine the role of this variant in disease. Therefore, it has been classified as a Variant of Uncertain Significance.

NM_003072.5(SMARCA4):c.2054A>G (p.Glu685Gly)

Gene: SMARCA4 (SWI/SNF related BAF chromatin remodeling complex subunit ATPase 4; plus strand). Cytogenetic location: 19p13.2.
Variant type: single nucleotide variant.
Coding change: c.2054A>G on transcript NM_003072.5 (MANE Select); coding-DNA position 2054, A replaced by G.
Protein change: p.Glu685Gly; replaces glutamic acid 685 with glycine.
Molecular consequence: missense variant. On other transcripts: non-coding transcript variant (1).
Genome position (GRCh38, 1-based): chr19:11,007,954, A>G. VCF-style: chr19-11007954-A-G. GRCh37 (hg19) VCF-style: chr19-11118630-A-G.
Other names: c.2054A>G, p.Glu685Gly (NM_001128844.3, NM_001128845.2, NM_001128846.2 and 6 more transcripts); short protein forms E685G.
Identifiers: ClinVar variation 4802560 (VCV004802560.1).